The following is an entry in ClinVar:

NM_170784.3(MKKS):c.1013C>A (p.Ser338Ter)

Gene: MKKS (MKKS centrosomal shuttling protein; minus strand). Cytogenetic location: 20p12.2.
Variant type: single nucleotide variant.
Coding change: c.1013C>A on transcript NM_170784.3 (MANE Select); coding-DNA position 1013, C replaced by A.
Protein change: p.Ser338Ter; replaces serine 338 with a stop codon.
Molecular consequence: nonsense. On other transcripts: non-coding transcript variant (1).
Genome position (GRCh38, 1-based): chr20:10,408,776, G>T on the plus strand (C>A on the coding strand, the complement: MKKS is on the minus strand). VCF-style: chr20-10408776-G-T. GRCh37 (hg19) VCF-style: chr20-10389424-G-T.
Other names: c.1013C>A, p.Ser338Ter (NM_018848.3); short protein forms S338*.
Identifiers: ClinVar variation 1450424 (VCV001450424.6), dbSNP rs2122226112, ClinGen allele CA408231858.

ClinVar aggregate classification (germline): Pathogenic (1 of 4 stars; one submission).

Conditions:
Bardet-Biedl syndrome (BBS). Identifiers: Orphanet 110, MedGen C0752166, MONDO:0015229.
McKusick-Kaufman syndrome (MKKS). Also called: HYDROMETROCOLPOS SYNDROME; HYDROMETROCOLPOS, POSTAXIAL POLYDACTYLY, AND CONGENITAL HEART MALFORMATION. Identifiers: Orphanet 2473, MedGen C0948368, MONDO:0009367, OMIM 236700.

Submission:

Labcorp Genetics (formerly Invitae), Labcorp
Classification: Pathogenic for McKusick-Kaufman syndrome; Bardet-Biedl syndrome. Last evaluated: 2026-01-26. Review status: criteria provided, single submitter. Criteria: Invitae Variant Classification Sherloc (09022015). Collection method: clinical testing. Allele origin: germline.
Comment: This sequence change creates a premature translational stop signal (p.Ser338*) in the MKKS gene. It is expected to result in an absent or disrupted protein product. Loss-of-function variants in MKKS are known to be pathogenic (PMID: 11179009, 28761321, 30614526). This variant is not present in population databases (gnomAD no frequency). This variant has not been reported in the literature in individuals affected with MKKS-related conditions. ClinVar contains an entry for this variant (Variation ID: 1450424). For these reasons, this variant has been classified as Pathogenic.

Literature cited by the submitters: PubMed 11179009; PubMed 28761321; PubMed 30614526.